The following is an entry in ClinVar:

ClinVar aggregate classification (germline): Uncertain significance. Review status: criteria provided, multiple submitters, no conflicts (2 of 4 stars). 2 submissions from 2 submitters: Uncertain significance (2). Last evaluated 2025-01-21.

Conditions:
Inborn genetic diseases. Identifiers: MedGen C0950123, MeSH D030342.

Submissions (2):

Ambry Genetics
Classification: Uncertain significance for Inborn genetic diseases. Last evaluated: 2025-01-21. Review status: criteria provided, single submitter. Criteria: Ambry Variant Classification Scheme 2023. Collection method: clinical testing. Allele origin: germline.

Labcorp Genetics (formerly Invitae), Labcorp
Classification: Uncertain significance. Last evaluated: 2024-02-22. Review status: criteria provided, single submitter. Criteria: Invitae Variant Classification Sherloc (09022015). Collection method: clinical testing. Allele origin: germline.
Comment: This sequence change replaces leucine, which is neutral and non-polar, with arginine, which is basic and polar, at codon 129 of the DUOX2 protein (p.Leu129Arg). This variant is not present in population databases (gnomAD no frequency). This variant has not been reported in the literature in individuals affected with DUOX2-related conditions. Advanced modeling of protein sequence and biophysical properties (such as structural, functional, and spatial information, amino acid conservation, physicochemical variation, residue mobility, and thermodynamic stability) performed at Invitae indicates that this missense variant is not expected to disrupt DUOX2 protein function with a negative predictive value of 80%. In summary, the available evidence is currently insufficient to determine the role of this variant in disease. Therefore, it has been classified as a Variant of Uncertain Significance.

NM_001363711.2(DUOX2):c.386T>G (p.Leu129Arg)

Gene: DUOX2 (dual oxidase 2; minus strand). Cytogenetic location: 15q21.1.
Variant type: single nucleotide variant.
Coding change: c.386T>G on transcript NM_001363711.2 (MANE Select); coding-DNA position 386, T replaced by G.
Protein change: p.Leu129Arg; replaces leucine 129 with arginine.
Molecular consequence: missense variant.
Genome position (GRCh38, 1-based): chr15:45,111,895, A>C on the plus strand (T>G on the coding strand, the complement: DUOX2 is on the minus strand). VCF-style: chr15-45111895-A-C. GRCh37 (hg19) VCF-style: chr15-45404093-A-C.
Other names: c.386T>G, p.Leu129Arg (NM_014080.5); c.386T>G (NM_014080.4); short protein forms L129R.
Identifiers: ClinVar variation 3676962 (VCV003676962.3).